The following is an entry in ClinVar:

ClinVar aggregate classification (germline): Uncertain significance (1 of 4 stars; one submission).

Submission:

GeneDx
Classification: Uncertain significance. Last evaluated: 2023-04-21. Review status: criteria provided, single submitter. Criteria: GeneDx Variant Classification Process June 2021. Collection method: clinical testing. Allele origin: germline. Affected: yes.
Comment: Not observed at significant frequency in large population cohorts (gnomAD); In silico analysis supports that this missense variant has a deleterious effect on protein structure/function; Has not been previously published as pathogenic or benign to our knowledge

NM_014159.7(SETD2):c.4819A>G (p.Met1607Val)

Gene: SETD2 (SET domain containing 2, histone lysine methyltransferase; minus strand). Cytogenetic location: 3p21.31.
Variant type: single nucleotide variant.
Coding change: c.4819A>G on transcript NM_014159.7 (MANE Select); coding-DNA position 4819, A replaced by G.
Protein change: p.Met1607Val; replaces methionine 1607 with valine.
Molecular consequence: missense variant. On other transcripts: non-coding transcript variant (1).
Genome position (GRCh38, 1-based): chr3:47,106,017, T>C on the plus strand (A>G on the coding strand, the complement: SETD2 is on the minus strand). VCF-style: chr3-47106017-T-C. GRCh37 (hg19) VCF-style: chr3-47147507-T-C.
Other names: c.4687A>G, p.Met1563Val (NM_001349370.3); short protein forms M1563V, M1607V.
Identifiers: ClinVar variation 2663592 (VCV002663592.1), dbSNP rs2107696085, ClinGen allele CA352514698.